The following is an entry in ClinVar:

NM_004006.3(DMD):c.3189G>A (p.Trp1063Ter)

Gene: DMD (dystrophin; minus strand). Cytogenetic location: Xp21.1.
Variant type: single nucleotide variant.
Coding change: c.3189G>A on transcript NM_004006.3 (MANE Select); coding-DNA position 3189, G replaced by A.
Protein change: p.Trp1063Ter; replaces tryptophan 1063 with a stop codon.
Molecular consequence: nonsense.
Genome position (GRCh38, 1-based): chrX:32,464,673, C>T on the plus strand (G>A on the coding strand, the complement: DMD is on the minus strand). VCF-style: chrX-32464673-C-T. GRCh37 (hg19) VCF-style: chrX-32482790-C-T.
Other names: c.3165G>A, p.Trp1055Ter (NM_000109.4); c.3177G>A, p.Trp1059Ter (NM_004009.3); c.2820G>A, p.Trp940Ter (NM_004010.3); short protein forms W1055*, W1059*, W1063*, W940*.
Identifiers: ClinVar variation 1322689 (VCV001322689.6), dbSNP rs2148428124, ClinGen allele CA412665095.

ClinVar aggregate classification (germline): Pathogenic (1 of 4 stars; one submission).

Conditions:
Duchenne muscular dystrophy (DMD). Also called: MUSCULAR DYSTROPHY, PSEUDOHYPERTROPHIC PROGRESSIVE, DUCHENNE TYPE; Duchenne Muscular Dystrophy (DMD). Identifiers: Orphanet 98896, MedGen C0013264, MONDO:0010679, OMIM 310200.

Submission:

Labcorp Genetics (formerly Invitae), Labcorp
Classification: Pathogenic for Duchenne muscular dystrophy. Last evaluated: 2022-08-09. Review status: criteria provided, single submitter. Criteria: Invitae Variant Classification Sherloc (09022015). Collection method: clinical testing. Allele origin: germline.
Comment: This sequence change creates a premature translational stop signal (p.Trp1063*) in the DMD gene. It is expected to result in an absent or disrupted protein product. Loss-of-function variants in DMD are known to be pathogenic (PMID: 16770791, 25007885). This variant is not present in population databases (gnomAD no frequency). This premature translational stop signal has been observed in individual(s) with Duchenne muscular dystrophy (PMID: 28318817). ClinVar contains an entry for this variant (Variation ID: 1322689). For these reasons, this variant has been classified as Pathogenic.

Literature cited by the submitters: PubMed 16770791; PubMed 25007885; PubMed 28318817.